The following is an entry in ClinVar:

NM_004655.4(AXIN2):c.619A>G (p.Thr207Ala)

Gene: AXIN2 (axin 2; minus strand). Cytogenetic location: 17q24.1.
Variant type: single nucleotide variant.
Coding change: c.619A>G on transcript NM_004655.4 (MANE Select); coding-DNA position 619, A replaced by G.
Protein change: p.Thr207Ala; replaces threonine 207 with alanine.
Molecular consequence: missense variant.
Genome position (GRCh38, 1-based): chr17:65,558,002, T>C on the plus strand (A>G on the coding strand, the complement: AXIN2 is on the minus strand). VCF-style: chr17-65558002-T-C. GRCh37 (hg19) VCF-style: chr17-63554120-T-C.
Other names: c.619A>G, p.Thr207Ala (NM_001363813.1); short protein forms T207A.
Identifiers: ClinVar variation 2713444 (VCV002713444.3), dbSNP rs2144583939, ClinGen allele CA400680652.
Genomic context (GRCh38, chr17:65,558,002, plus strand): 5'-TGGGGAGATAGCCACACACGACCTTTAGGCTCCCGAGTCCCCCATTACTCATGTAAGCTG[T>C]GTTTTCTCCCCCACTCCTCACATATTCGAGGTATATATCAGAAGTCAAAAACATCTGGTA-3'
Protein context (NP_004646.3, residues 197-217): LEYVRSGGEN[Thr207Ala]AYMSNGGLGS

ClinVar aggregate classification (germline): Uncertain significance (1 of 4 stars; one submission).

Conditions:
Oligodontia-cancer predisposition syndrome. Also called: TOOTH AGENESIS-COLORECTAL CANCER SYNDROME. Identifiers: Orphanet 300576, MedGen C1837750, MONDO:0012075, OMIM 608615. Disease mechanism: loss of function.

Submission:

Labcorp Genetics (formerly Invitae), Labcorp
Classification: Uncertain significance for Oligodontia-cancer predisposition syndrome. Last evaluated: 2024-01-27. Review status: criteria provided, single submitter. Criteria: Invitae Variant Classification Sherloc (09022015). Collection method: clinical testing. Allele origin: germline.
Comment: This sequence change replaces threonine, which is neutral and polar, with alanine, which is neutral and non-polar, at codon 207 of the AXIN2 protein (p.Thr207Ala). This variant is not present in population databases (gnomAD no frequency). This variant has not been reported in the literature in individuals affected with AXIN2-related conditions. Advanced modeling of protein sequence and biophysical properties (such as structural, functional, and spatial information, amino acid conservation, physicochemical variation, residue mobility, and thermodynamic stability) performed at Invitae indicates that this missense variant is not expected to disrupt AXIN2 protein function with a negative predictive value of 80%. In summary, the available evidence is currently insufficient to determine the role of this variant in disease. Therefore, it has been classified as a Variant of Uncertain Significance.